The following is an entry in ClinVar:

NM_001040142.2(SCN2A):c.3626G>C (p.Trp1209Ser)

Gene: SCN2A (sodium voltage-gated channel alpha subunit 2; plus strand). Cytogenetic location: 2q24.3.
Variant type: single nucleotide variant.
Coding change: c.3626G>C on transcript NM_001040142.2 (MANE Select); coding-DNA position 3626, G replaced by C.
Protein change: p.Trp1209Ser; replaces tryptophan 1209 with serine.
Molecular consequence: missense variant.
Genome position (GRCh38, 1-based): chr2:165,367,322, G>C. VCF-style: chr2-165367322-G-C. GRCh37 (hg19) VCF-style: chr2-166223832-G-C.
Other names: c.3626G>C, p.Trp1209Ser (NM_001040143.2, NM_001371246.1, NM_001371247.1 and 1 more transcripts); short protein forms W1209S.
Identifiers: ClinVar variation 4885288 (VCV004885288.2).

ClinVar aggregate classification (germline): Uncertain significance (1 of 4 stars; one submission).

Submission:

Dasa
Classification: Uncertain significance. Last evaluated: 2025-07-03. Review status: criteria provided, single submitter. Criteria: DASA Assertion Criteria. Collection method: clinical testing. Allele origin: germline.
Comment: NM_001040142.2(SCN2A):c.3626G>C (p.Trp1209Ser) is a missense variant that results in the substitution of tryptophan with serine. This variant is absent from population databases. Computational prediction algorithms are consistent with a deleterious effect. The currently available literature and clinical evidence are not sufficient to establish a definitive association between this variant and the reported condition. Therefore, this variant is classified as a variant of uncertain significance.